The following is an entry in ClinVar:

NM_014915.3(ANKRD26):c.2546G>A (p.Ser849Asn)

Gene: ANKRD26 (ankyrin repeat domain 26; minus strand). Cytogenetic location: 10p12.1.
Variant type: single nucleotide variant.
Coding change: c.2546G>A on transcript NM_014915.3 (MANE Select); coding-DNA position 2546, G replaced by A.
Protein change: p.Ser849Asn; replaces serine 849 with asparagine.
Molecular consequence: missense variant.
Genome position (GRCh38, 1-based): chr10:27,037,884, C>T on the plus strand (G>A on the coding strand, the complement: ANKRD26 is on the minus strand). VCF-style: chr10-27037884-C-T. GRCh37 (hg19) VCF-style: chr10-27326813-C-T.
Other names: c.2543G>A, p.Ser848Asn (NM_001256053.2); short protein forms S849N, S848N.
Identifiers: ClinVar variation 2171239 (VCV002171239.5), dbSNP rs1211734208, ClinGen allele CA376366517.

ClinVar aggregate classification (germline): Conflicting classifications of pathogenicity. Review status: criteria provided, conflicting classifications (1 of 4 stars). 2 submissions from 2 submitters: Uncertain significance (1); Likely benign (1). Last evaluated 2025-01-23.

Conditions:
Inborn genetic diseases. Identifiers: MedGen C0950123, MeSH D030342.

Allele frequency attached by ClinVar (database versions not stated): gnomAD exomes below 0.00001; gnomAD 0.00001; TOPMed 0.00001.
gnomAD v4.1: 6 of 1,609,056 alleles (0.00037%); highest among the groups gnomAD compares: Non-Finnish European, 0.00051%; no homozygotes.

Submissions (2):

Ambry Genetics
Classification: Likely benign for Inborn genetic diseases. Last evaluated: 2025-01-23. Review status: criteria provided, single submitter. Criteria: Ambry Variant Classification Scheme 2023. Collection method: clinical testing. Allele origin: germline.

Labcorp Genetics (formerly Invitae), Labcorp
Classification: Uncertain significance. Last evaluated: 2024-05-04. Review status: criteria provided, single submitter. Criteria: Invitae Variant Classification Sherloc (09022015). Collection method: clinical testing. Allele origin: germline.
Comment: This sequence change replaces serine, which is neutral and polar, with asparagine, which is neutral and polar, at codon 849 of the ANKRD26 protein (p.Ser849Asn). This variant is not present in population databases (gnomAD no frequency). This variant has not been reported in the literature in individuals affected with ANKRD26-related conditions. ClinVar contains an entry for this variant (Variation ID: 2171239). Algorithms developed to predict the effect of missense changes on protein structure and function output the following: SIFT: "Not Available"; PolyPhen-2: "Benign"; Align-GVGD: "Not Available". The asparagine amino acid residue is found in multiple mammalian species, which suggests that this missense change does not adversely affect protein function. In summary, the available evidence is currently insufficient to determine the role of this variant in disease. Therefore, it has been classified as a Variant of Uncertain Significance.